The following is an entry in ClinVar:

ClinVar aggregate classification (germline): Uncertain significance (1 of 4 stars; one submission).

Allele frequency attached by ClinVar (database versions not stated): gnomAD exomes below 0.00001.
gnomAD v4.1: 1 of 1,614,140 alleles (0.000062%); highest among the groups gnomAD compares: Non-Finnish European, 0.000085%; no homozygotes.

Submission:

Ambry Genetics
Classification: Uncertain significance. Last evaluated: 2024-01-20. Review status: criteria provided, single submitter. Criteria: Ambry Variant Classification Scheme 2023. Collection method: clinical testing. Allele origin: germline.
Comment: The p.A106P variant (also known as c.316G>C), located in coding exon 1 of the MLH3 gene, results from a G to C substitution at nucleotide position 316. The alanine at codon 106 is replaced by proline, an amino acid with highly similar properties. This amino acid position is conserved. In addition, this alteration is predicted to be deleterious by in silico analysis. Based on the available evidence, the clinical significance of this alteration remains unclear.

NM_001040108.2(MLH3):c.316G>C (p.Ala106Pro)

Gene: MLH3 (mutL homolog 3; minus strand). Cytogenetic location: 14q24.3.
Variant type: single nucleotide variant.
Coding change: c.316G>C on transcript NM_001040108.2 (MANE Select); coding-DNA position 316, G replaced by C.
Protein change: p.Ala106Pro; replaces alanine 106 with proline.
Molecular consequence: missense variant.
Genome position (GRCh38, 1-based): chr14:75,049,340, C>G on the plus strand (G>C on the coding strand, the complement: MLH3 is on the minus strand). VCF-style: chr14-75049340-C-G. GRCh37 (hg19) VCF-style: chr14-75516043-C-G.
Other names: c.316G>C, p.Ala106Pro (NM_014381.3); short protein forms A106P.
Identifiers: ClinVar variation 3232529 (VCV003232529.1), dbSNP rs2139608271, ClinGen allele CA390451000.